The following is an entry in ClinVar:

ClinVar aggregate classification (germline): Uncertain significance (1 of 4 stars; one submission).

Submission:

Labcorp Genetics (formerly Invitae), Labcorp
Classification: Uncertain significance. Last evaluated: 2023-10-10. Review status: criteria provided, single submitter. Criteria: Invitae Variant Classification Sherloc (09022015). Collection method: clinical testing. Allele origin: germline.
Comment: This sequence change replaces proline, which is neutral and non-polar, with alanine, which is neutral and non-polar, at codon 287 of the PALM protein (p.Pro287Ala). This variant is not present in population databases (gnomAD no frequency). This variant has not been reported in the literature in individuals affected with PALM-related conditions. Algorithms developed to predict the effect of missense changes on protein structure and function output the following: SIFT: "Not Available"; PolyPhen-2: "Benign"; Align-GVGD: "Not Available". The alanine amino acid residue is found in multiple mammalian species, which suggests that this missense change does not adversely affect protein function. In summary, the available evidence is currently insufficient to determine the role of this variant in disease. Therefore, it has been classified as a Variant of Uncertain Significance.

NM_002579.3(PALM):c.859C>G (p.Pro287Ala)

Gene: PALM (paralemmin; plus strand). Cytogenetic location: 19p13.3.
Variant type: single nucleotide variant.
Coding change: c.859C>G on transcript NM_002579.3 (MANE Select); coding-DNA position 859, C replaced by G.
Protein change: p.Pro287Ala; replaces proline 287 with alanine.
Molecular consequence: missense variant.
Genome position (GRCh38, 1-based): chr19:746,509, C>G. VCF-style: chr19-746509-C-G. GRCh37 (hg19) VCF-style: chr19-746509-C-G.
Other names: c.727C>G, p.Pro243Ala (NM_001040134.2); short protein forms P287A, P243A.
Identifiers: ClinVar variation 2766124 (VCV002766124.3), dbSNP rs2511996385, ClinGen allele CA402891041.